The following is an entry in ClinVar:

NM_016335.6(PRODH):c.278del (p.Leu93fs)

Gene: PRODH (proline dehydrogenase 1; minus strand). Cytogenetic location: 22q11.21.
Variant type: Deletion.
Coding change: c.278del on transcript NM_016335.6 (MANE Select); coding-DNA position 278, one base deleted (T; older notation c.278delT).
Protein change: p.Leu93fs; shifts the reading frame from leucine 93.
Molecular consequence: frameshift variant. On other transcripts: 5 prime UTR variant (1).
Genome position (GRCh38, 1-based): chr22:18,931,194, A deleted on the plus strand (T on the coding strand, the reverse complement: PRODH is on the minus strand). VCF-style (leftmost placement, unchanged base first): chr22-18931193-CA-C. GRCh37 (hg19) VCF-style: chr22-18918706-CA-C.
Other names: c.-47del (NM_001195226.2); short protein forms L93fs.
Identifiers: ClinVar variation 1312049 (VCV001312049.2), dbSNP rs2146220167, ClinGen allele CA2573054971.

ClinVar aggregate classification (germline): Uncertain significance (1 of 4 stars; one submission).

Submission:

GeneDx
Classification: Uncertain significance. Last evaluated: 2019-09-05. Review status: criteria provided, single submitter. Criteria: GeneDx Variant Classification Process June 2021. Collection method: clinical testing. Allele origin: germline. Affected: yes.
Comment: Has not been previously published as pathogenic or benign to our knowledge; Frameshift variant predicted to result in protein truncation or nonsense mediated decay in a gene for which loss-of-function is not a known mechanism of disease; Not observed in large population cohorts (Lek et al., 2016)